The following is an entry in ClinVar:

NM_182493.3(MYLK3):c.847G>T (p.Gly283Cys)

Gene: MYLK3 (myosin light chain kinase 3; minus strand). Cytogenetic location: 16q11.2.
Variant type: single nucleotide variant.
Coding change: c.847G>T on transcript NM_182493.3 (MANE Select); coding-DNA position 847, G replaced by T.
Protein change: p.Gly283Cys; replaces glycine 283 with cysteine.
Molecular consequence: missense variant. On other transcripts: intron variant (1).
Genome position (GRCh38, 1-based): chr16:46,737,865, C>A on the plus strand (G>T on the coding strand, the complement: MYLK3 is on the minus strand). VCF-style: chr16-46737865-C-A. GRCh37 (hg19) VCF-style: chr16-46771777-C-A.
Other names: c.-23+2192G>T (NM_001308301.1); short protein forms G283C.
Identifiers: ClinVar variation 3401165 (VCV003401165.3).

ClinVar aggregate classification (germline): Uncertain significance. Review status: criteria provided, multiple submitters, no conflicts (2 of 4 stars). 2 submissions from 2 submitters: Uncertain significance (2). Last evaluated 2024-08-20.

gnomAD v4.1: 2 of 1,614,162 alleles (0.00012%); highest among the groups gnomAD compares: Non-Finnish European, 0.00017%; no homozygotes.

Submissions (2):

Ambry Genetics
Classification: Uncertain significance. Last evaluated: 2024-08-20. Review status: criteria provided, single submitter. Criteria: Ambry Variant Classification Scheme 2023. Collection method: clinical testing. Allele origin: germline.

Labcorp Genetics (formerly Invitae), Labcorp
Classification: Uncertain significance. Last evaluated: 2024-05-09. Review status: criteria provided, single submitter. Criteria: Invitae Variant Classification Sherloc (09022015). Collection method: clinical testing. Allele origin: germline.
Comment: This sequence change replaces glycine, which is neutral and non-polar, with cysteine, which is neutral and slightly polar, at codon 283 of the MYLK3 protein (p.Gly283Cys). This variant is not present in population databases (gnomAD no frequency). This variant has not been reported in the literature in individuals affected with MYLK3-related conditions. An algorithm developed to predict the effect of missense changes on protein structure and function (PolyPhen-2) suggests that this variant is likely to be disruptive. In summary, the available evidence is currently insufficient to determine the role of this variant in disease. Therefore, it has been classified as a Variant of Uncertain Significance.